The following is an entry in ClinVar:

NM_003982.4(SLC7A7):c.442T>C (p.Phe148Leu)

Gene: SLC7A7 (solute carrier family 7 member 7; minus strand). Cytogenetic location: 14q11.2.
Variant type: single nucleotide variant.
Coding change: c.442T>C on transcript NM_003982.4 (MANE Select); coding-DNA position 442, T replaced by C.
Protein change: p.Phe148Leu; replaces phenylalanine 148 with leucine.
Molecular consequence: missense variant.
Genome position (GRCh38, 1-based): chr14:22,812,957, A>G on the plus strand (T>C on the coding strand, the complement: SLC7A7 is on the minus strand). VCF-style: chr14-22812957-A-G. GRCh37 (hg19) VCF-style: chr14-23282166-A-G.
Other names: c.442T>C, p.Phe148Leu (NM_001126105.3, NM_001126106.4); short protein forms F148L.
Identifiers: ClinVar variation 1502666 (VCV001502666.8), dbSNP rs2138661871, ClinGen allele CA388922016.
Genomic context (GRCh38, chr14:22,812,957, plus strand): 5'-TACAAATGCAGGCAGCAGCCAGCAGGCGGCTGGCAGCATAAGGGGCGAAGCAGCTCGGGA[A>G]GAGAGGCTGTACCATGTAGTTGGCAAAGGTGATGGCAATGATGGCCTGGCTGGTGGGCTC-3'
Protein context (NP_003973.3, residues 138-158): TFANYMVQPL[Phe148Leu]PSCFAPYAAS

ClinVar aggregate classification (germline): Uncertain significance (1 of 4 stars; one submission).

Conditions:
Lysinuric protein intolerance (LPI). Identifiers: Orphanet 470, MedGen C0268647, MONDO:0009109, OMIM 222700.

Submission:

Labcorp Genetics (formerly Invitae), Labcorp
Classification: Uncertain significance for Lysinuric protein intolerance. Last evaluated: 2021-05-01. Review status: criteria provided, single submitter. Criteria: Invitae Variant Classification Sherloc (09022015). Collection method: clinical testing. Allele origin: germline.
Comment: In summary, the available evidence is currently insufficient to determine the role of this variant in disease. Therefore, it has been classified as a Variant of Uncertain Significance. Algorithms developed to predict the effect of missense changes on protein structure and function are either unavailable or do not agree on the potential impact of this missense change (SIFT: "Deleterious"; PolyPhen-2: "Probably Damaging"; Align-GVGD: "Class C0"). This variant has not been reported in the literature in individuals with SLC7A7-related conditions. This variant is not present in population databases (ExAC no frequency). This sequence change replaces phenylalanine with leucine at codon 148 of the SLC7A7 protein (p.Phe148Leu). The phenylalanine residue is highly conserved and there is a small physicochemical difference between phenylalanine and leucine.